The following is an entry in ClinVar:

ClinVar aggregate classification (germline): Uncertain significance (1 of 4 stars; one submission).

Conditions:
Dilated Cardiomyopathy, Recessive.

Allele frequency attached by ClinVar (database versions not stated): gnomAD 0.00005 and 0.00006; ExAC 0.00007; TOPMed 0.00009.
gnomAD v4.1: 65 of 1,611,402 alleles (0.004%); highest among the groups gnomAD compares: African/African-American, 0.023%; no homozygotes.

Submission:

Labcorp Genetics (formerly Invitae), Labcorp
Classification: Uncertain significance. Last evaluated: 2024-06-22. Review status: criteria provided, single submitter. Criteria: Invitae Variant Classification Sherloc (09022015). Collection method: clinical testing. Allele origin: germline.
Comment: This sequence change replaces valine, which is neutral and non-polar, with isoleucine, which is neutral and non-polar, at codon 653 of the PLEKHM2 protein (p.Val653Ile). This variant is present in population databases (rs746715478, gnomAD 0.03%). This variant has not been reported in the literature in individuals affected with PLEKHM2-related conditions. ClinVar contains an entry for this variant (Variation ID: 661110). Algorithms developed to predict the effect of missense changes on protein structure and function output the following: SIFT: "Not Available"; PolyPhen-2: "Benign"; Align-GVGD: "Not Available". The isoleucine amino acid residue is found in multiple mammalian species, which suggests that this missense change does not adversely affect protein function. In summary, the available evidence is currently insufficient to determine the role of this variant in disease. Therefore, it has been classified as a Variant of Uncertain Significance.

NM_015164.4(PLEKHM2):c.1957G>A (p.Val653Ile)

Gene: PLEKHM2 (pleckstrin homology and RUN domain containing M2; plus strand). Cytogenetic location: 1p36.21.
Variant type: single nucleotide variant.
Coding change: c.1957G>A on transcript NM_015164.4 (MANE Select); coding-DNA position 1957, G replaced by A.
Protein change: p.Val653Ile; replaces valine 653 with isoleucine.
Molecular consequence: missense variant.
Genome position (GRCh38, 1-based): chr1:15,728,704, G>A. VCF-style: chr1-15728704-G-A. GRCh37 (hg19) VCF-style: chr1-16055199-G-A.
Other names: short protein forms V653I.
Identifiers: ClinVar variation 661110 (VCV000661110.7), dbSNP rs746715478, ClinGen allele CA617087.